The following is an entry in ClinVar:

NM_006245.4(PPP2R5D):c.620G>C (p.Trp207Ser)

Gene: PPP2R5D (protein phosphatase 2 regulatory subunit B'delta; plus strand). Cytogenetic location: 6p21.1.
Variant type: single nucleotide variant.
Coding change: c.620G>C on transcript NM_006245.4 (MANE Select); coding-DNA position 620, G replaced by C.
Protein change: p.Trp207Ser; replaces tryptophan 207 with serine.
Molecular consequence: missense variant.
Genome position (GRCh38, 1-based): chr6:43,007,293, G>C. VCF-style: chr6-43007293-G-C. GRCh37 (hg19) VCF-style: chr6-42975031-G-C.
Other names: c.620G>C (NM_006245.2); c.167G>C, p.Trp56Ser (NM_001270476.2); c.524G>C, p.Trp175Ser (NM_180976.3); c.302G>C, p.Trp101Ser (NM_180977.3); short protein forms W101S, W175S, W207S, W56S.
Identifiers: ClinVar variation 1686094 (VCV001686094.4), dbSNP rs2150278804, ClinGen allele CA364185490.
Genomic context (GRCh38, chr6:43,007,293, plus strand): 5'-CGAATCCCACAGGGGCTGAGTTTGACCCAGAGGAAGATGAGCCCACCCTGGAAGCTGCTT[G>C]GCCACATCTCCAGGTACCAGGGCAAGGGGGCAGATTGGCCGTGGCTGCAGGGAGTGGGGC-3'
Protein context (NP_006236.1, residues 197-217): EEDEPTLEAA[Trp207Ser]PHLQLVYEFF

ClinVar aggregate classification (germline): Conflicting classifications of pathogenicity. Review status: criteria provided, conflicting classifications (1 of 4 stars). 3 submissions from 3 submitters: Pathogenic (1); Likely pathogenic (1); Uncertain significance (1). Last evaluated 2025-12-11.

Conditions:
Houge-Janssens syndrome 1. Also called: PPP2R5D-Related Neurodevelopmental Disorder; Hogue-Janssens syndrome 1; INTELLECTUAL DEVELOPMENTAL DISORDER, AUTOSOMAL DOMINANT 35; Intellectual disability-macrocephaly-hypotonia-behavioral abnormalities syndrome. Identifiers: Orphanet 457279, MedGen C5779996, MONDO:0014602, OMIM 616355.
Inborn genetic diseases. Identifiers: MedGen C0950123, MeSH D030342.

Submissions (3):

Ambry Genetics
Classification: Likely pathogenic for Inborn genetic diseases. Last evaluated: 2025-12-11. Review status: criteria provided, single submitter. Criteria: Ambry Variant Classification Scheme 2023. Collection method: clinical testing. Allele origin: germline.
Comment: The c.620G>C (p.W207S) alteration is located in exon 5 (coding exon 5) of the PPP2R5D gene. This alteration results from a G to C substitution at nucleotide position 620, causing the tryptophan (W) at amino acid position 207 to be replaced by a serine (S). This variant was not reported in population-based cohorts in the Genome Aggregation Database (gnomAD). Other variant(s) at the same codon, c.619T>A (p.W207R), have been identified in individual(s) with features consistent with PPP2R5D-related neurodevelopmental disorder (Gilissen, 2014; Houge, 2015; Ambry internal data). This amino acid position is highly conserved in available vertebrate species. This missense alteration is located in a region that has a low rate of benign missense variation (Lek, 2016; Firth, 2009). Based on internal structural analysis, this variant is anticipated to result in a significant decrease in structural stability and is more disruptive than known pathogenic variants (Xu, 2009; Wu, 2024; Day, 2025; Ambry internal data). This alteration is predicted to be deleterious by in silico analysis. Based on the available evidence, this alteration is classified as likely pathogenic.

Labcorp Genetics (formerly Invitae), Labcorp
Classification: Uncertain significance. Last evaluated: 2024-02-02. Review status: criteria provided, single submitter. Criteria: Invitae Variant Classification Sherloc (09022015). Collection method: clinical testing. Allele origin: germline.
Comment: This sequence change replaces tryptophan, which is neutral and slightly polar, with serine, which is neutral and polar, at codon 207 of the PPP2R5D protein (p.Trp207Ser). This variant is not present in population databases (gnomAD no frequency). This variant has not been reported in the literature in individuals affected with PPP2R5D-related conditions. ClinVar contains an entry for this variant (Variation ID: 1686094). An algorithm developed to predict the effect of missense changes on protein structure and function (PolyPhen-2) suggests that this variant is likely to be disruptive. This variant disrupts the p.Trp207 amino acid residue in PPP2R5D. Other variant(s) that disrupt this residue have been determined to be pathogenic (PMID: 24896178, 26168268). This suggests that this residue is clinically significant, and that variants that disrupt this residue are likely to be disease-causing. In summary, the available evidence is currently insufficient to determine the role of this variant in disease. Therefore, it has been classified as a Variant of Uncertain Significance.

Mendelics
Classification: Pathogenic for Houge-Janssens syndrome 1. Last evaluated: 2022-05-04. Review status: criteria provided, single submitter. Criteria: Mendelics Assertion Criteria 2019. Collection method: clinical testing. Allele origin: germline.

Literature cited by the submitters: PubMed 19716788 (cited by Ambry Genetics); PubMed 24896178 (cited by Ambry Genetics and Labcorp Genetics (formerly Invitae), Labcorp); PubMed 26168268 (cited by Ambry Genetics and Labcorp Genetics (formerly Invitae), Labcorp); PubMed 38150499 (cited by Ambry Genetics); PubMed 40712571 (cited by Ambry Genetics).